The following is an entry in ClinVar:

NM_032119.4(ADGRV1):c.16196+40T>C

Gene: ADGRV1 (adhesion G protein-coupled receptor V1; plus strand). Cytogenetic location: 5q14.3.
Variant type: single nucleotide variant.
Coding change: c.16196+40T>C on transcript NM_032119.4 (MANE Select); 40 bases into the intron after coding-DNA position 16196, T replaced by C.
Molecular consequence: intron variant.
Genome position (GRCh38, 1-based): chr5:90,815,776, T>C. VCF-style: chr5-90815776-T-C. GRCh37 (hg19) VCF-style: chr5-90111593-T-C.
Identifiers: ClinVar variation 675782 (VCV000675782.2), dbSNP rs41315904, ClinGen allele CA3342065.

ClinVar aggregate classification (germline): Likely benign. Review status: criteria provided, multiple submitters, no conflicts (2 of 4 stars). 2 submissions from 2 submitters: Likely benign (2). Last evaluated 2018-06-16.

Allele frequency attached by ClinVar (database versions not stated): 1000 Genomes Project 30x 0.01296; 1000 Genomes Project 0.01318; TOPMed 0.01733; ESP Exome Variant Server 0.02063; gnomAD 0.02086; gnomAD exomes 0.02410 and 0.02647; ExAC 0.02776.
gnomAD v4.1: 27,640 of 1,083,532 alleles (2.6%); highest among the groups gnomAD compares: Non-Finnish European, 2.8%; 460 homozygotes.

Submissions (2):

GeneDx
Classification: Likely benign. Last evaluated: 2018-06-16. Review status: criteria provided, single submitter. Criteria: GeneDx Variant Classification (06012015). Collection method: clinical testing. Allele origin: germline. Affected: yes.
Comment: This variant is considered likely benign or benign based on one or more of the following criteria: it is a conservative change, it occurs at a poorly conserved position in the protein, it is predicted to be benign by multiple in silico algorithms, and/or has population frequency not consistent with disease.

Breakthrough Genomics
Classification: Likely benign. Review status: criteria provided, single submitter. Criteria: ACMG Guidelines, 2015. Collection method: not provided. Allele origin: germline. Inheritance: Autosomal recessive inheritance. Affected: yes.